The following is an entry in ClinVar:

ClinVar aggregate classification (germline): Pathogenic (1 of 4 stars; one submission).

Submission:

Labcorp Genetics (formerly Invitae), Labcorp
Classification: Pathogenic. Last evaluated: 2022-11-28. Review status: criteria provided, single submitter. Criteria: Invitae Variant Classification Sherloc (09022015). Collection method: clinical testing. Allele origin: germline.
Comment: This variant has not been reported in the literature in individuals affected with RP1-related conditions. This sequence change creates a premature translational stop signal (p.Thr1733Lysfs*3) in the RP1 gene. While this is not anticipated to result in nonsense mediated decay, it is expected to disrupt the last 424 amino acid(s) of the RP1 protein. This variant is not present in population databases (gnomAD no frequency). ClinVar contains an entry for this variant (Variation ID: 958268). This variant disrupts the C-terminus of the RP1 protein. Many variants that disrupt this region have been reported in individuals with either autosomal dominant or autosomal recessive retinitis pigmentosa (PMID: 11527933, 19933189, 29425069, 30027431, 33681214). Therefore, variants that disrupt this region are expected to be disease-causing. For these reasons, this variant has been classified as Pathogenic.

Literature cited by the submitters: PubMed 11527933; PubMed 19933189; PubMed 29425069; PubMed 30027431; PubMed 33681214.

NM_006269.2(RP1):c.5198del (p.Thr1733fs)

Genes: RP1 (RP1 axonemal microtubule associated; plus strand), LOC126860392 (CDK7 strongly-dependent group 2 enhancer GRCh37_chr8:55541319-55542518; plus strand). Cytogenetic location: 8q12.1.
Variant type: Deletion.
Coding change: c.5198del on transcript NM_006269.2 (MANE Select); coding-DNA position 5198, one base deleted (C; older notation c.5198delC).
Protein change: p.Thr1733fs; shifts the reading frame from threonine 1733.
Molecular consequence: frameshift variant. On other transcripts: intron variant (1).
Genome position (GRCh38, 1-based): chr8:54,629,080, C deleted. VCF-style (leftmost placement, unchanged base first): chr8-54629079-AC-A. GRCh37 (hg19) VCF-style: chr8-55541639-AC-A.
Other names: c.787+6792del (NM_001375654.1); short protein forms T1733fs.
Identifiers: ClinVar variation 958268 (VCV000958268.10), dbSNP rs1806171937, ClinGen allele CA1139660573.